The following is an entry in ClinVar:

NC_000011.9:g.(?_103228951)_(103349981_?)del

Gene: DYNC2H1 (dynein cytoplasmic 2 heavy chain 1; plus strand). Cytogenetic location: 11q22.3.
Variant type: Deletion.
Identifiers: ClinVar variation 3244572 (VCV003244572.1).

ClinVar aggregate classification (germline): Pathogenic (1 of 4 stars; one submission).

Conditions:
Jeune thoracic dystrophy. Also called: Jeune's syndrome; Chondroectodermal dysplasia-like syndrome; Short-rib thoracic dysplasia; Jeune syndrome; Infantile thoracic dystrophy; Thoracic pelvic phalangeal dystrophy. Identifiers: Orphanet 474, MedGen C0265275, MONDO:0018770.

Submission:

Labcorp Genetics (formerly Invitae), Labcorp
Classification: Pathogenic for Jeune thoracic dystrophy. Last evaluated: 2023-10-16. Review status: criteria provided, single submitter. Criteria: Invitae Variant Classification Sherloc (09022015). Collection method: clinical testing. Allele origin: unknown.
Comment: This variant is a gross deletion of the genomic region encompassing exon(s) 84-90 of the DYNC2H1 gene, which includes the termination codon. This deletion extends beyond the assayed region for this gene and therefore may encompass additional genes. While this deletion is not anticipated to lead to nonsense mediated decay, it is expected to alter mRNA translation or result in a truncated protein product. This variant has not been reported in the literature in individuals affected with DYNC2H1-related conditions. This variant disrupts a region of the DYNC2H1 protein in which other variant(s) (p.Arg4284Gly) have been determined to be pathogenic (PMID: 29068549). This suggests that this is a clinically significant region of the protein, and that variants that disrupt it are likely to be disease-causing. For these reasons, this variant has been classified as Pathogenic.

Literature cited by the submitters: PubMed 29068549.